The following is an entry in ClinVar:

NM_004183.4(BEST1):c.1506A>T (p.Leu502Phe)

Gene: BEST1 (bestrophin 1; plus strand). Cytogenetic location: 11q12.3.
Variant type: single nucleotide variant.
Coding change: c.1506A>T on transcript NM_004183.4 (MANE Select); coding-DNA position 1506, A replaced by T.
Protein change: p.Leu502Phe; replaces leucine 502 with phenylalanine.
Molecular consequence: missense variant. On other transcripts: non-coding transcript variant (1).
Genome position (GRCh38, 1-based): chr11:61,962,660, A>T. VCF-style: chr11-61962660-A-T. GRCh37 (hg19) VCF-style: chr11-61730132-A-T.
Other names: c.1326A>T, p.Leu442Phe (NM_001139443.3, NM_001300787.2); c.1245A>T, p.Leu415Phe (NM_001300786.2); c.1188A>T, p.Leu396Phe (NM_001363591.3); c.*401A>T (NM_001363592.2); c.534A>T, p.Leu178Phe (NM_001363593.3); short protein forms L502F, L415F, L442F, L396F, L178F.
Identifiers: ClinVar variation 1977063 (VCV001977063.5), dbSNP rs1334139204, ClinGen allele CA380849274.
Genomic context (GRCh38, chr11:61,962,660, plus strand): 5'-ACCATCAGCGCCGTCAAAGCTTCACAGTGTCACAGGCATAGACACCAAAGACAAAAGCTT[A>T]AAGACTGTGAGTTCTGGGGCCAAGAAAAGTTTTGAATTGCTCTCAGAGAGCGATGGGGCC-3'
Protein context (NP_004174.1, residues 492-512): VTGIDTKDKS[Leu502Phe]KTVSSGAKKS

ClinVar aggregate classification (germline): Uncertain significance (1 of 4 stars; one submission).

gnomAD v4.1: 2 of 1,614,116 alleles (0.00012%); highest among the groups gnomAD compares: Non-Finnish European, 0.00017%; no homozygotes.

Submission:

Labcorp Genetics (formerly Invitae), Labcorp
Classification: Uncertain significance. Last evaluated: 2021-12-29. Review status: criteria provided, single submitter. Criteria: Invitae Variant Classification Sherloc (09022015). Collection method: clinical testing. Allele origin: germline.
Comment: In summary, the available evidence is currently insufficient to determine the role of this variant in disease. Therefore, it has been classified as a Variant of Uncertain Significance. Advanced modeling of protein sequence and biophysical properties (such as structural, functional, and spatial information, amino acid conservation, physicochemical variation, residue mobility, and thermodynamic stability) performed at Invitae indicates that this missense variant is not expected to disrupt BEST1 protein function. This variant has not been reported in the literature in individuals affected with BEST1-related conditions. This variant is present in population databases (no rsID available, gnomAD 0.002%). This sequence change replaces leucine, which is neutral and non-polar, with phenylalanine, which is neutral and non-polar, at codon 502 of the BEST1 protein (p.Leu502Phe).